The following is an entry in ClinVar:

NM_001378120.1(MBD5):c.70G>T (p.Gly24Cys)

Gene: MBD5 (methyl-CpG binding domain protein 5; plus strand). Cytogenetic location: 2q23.1.
Variant type: single nucleotide variant.
Coding change: c.70G>T on transcript NM_001378120.1 (MANE Select); coding-DNA position 70, G replaced by T.
Protein change: p.Gly24Cys; replaces glycine 24 with cysteine.
Molecular consequence: missense variant.
Genome position (GRCh38, 1-based): chr2:148,458,828, G>T. VCF-style: chr2-148458828-G-T. GRCh37 (hg19) VCF-style: chr2-149216397-G-T.
Other names: c.70G>T, p.Gly24Cys (NM_018328.5); short protein forms G24C.
Identifiers: ClinVar variation 1305903 (VCV001305903.7), dbSNP rs2105537073, ClinGen allele CA348715553.

ClinVar aggregate classification (germline): Uncertain significance. Review status: criteria provided, multiple submitters, no conflicts (2 of 4 stars). 2 submissions from 2 submitters: Uncertain significance (2). Last evaluated 2021-08-24.

Conditions:
Intellectual developmental disorder, autosomal dominant 1. Also called: MBD5 Haploinsufficiency; Intellectual disability, autosomal dominant 1. Identifiers: Orphanet 228402, MedGen C1969562, MONDO:0007974, OMIM 156200.

Submissions (2):

Labcorp Genetics (formerly Invitae), Labcorp
Classification: Uncertain significance for Intellectual developmental disorder, autosomal dominant 1. Last evaluated: 2021-08-24. Review status: criteria provided, single submitter. Criteria: Invitae Variant Classification Sherloc (09022015). Collection method: clinical testing. Allele origin: germline.
Comment: This sequence change replaces glycine with cysteine at codon 24 of the MBD5 protein (p.Gly24Cys). The glycine residue is highly conserved and there is a large physicochemical difference between glycine and cysteine. In summary, the available evidence is currently insufficient to determine the role of this variant in disease. Therefore, it has been classified as a Variant of Uncertain Significance. Algorithms developed to predict the effect of missense changes on protein structure and function are either unavailable or do not agree on the potential impact of this missense change (SIFT: "Deleterious"; PolyPhen-2: "Probably Damaging"; Align-GVGD: "Class C0"). This variant has not been reported in the literature in individuals affected with MBD5-related conditions. This variant is not present in population databases (ExAC no frequency).

GeneDx
Classification: Uncertain significance. Last evaluated: 2019-05-24. Review status: criteria provided, single submitter. Criteria: GeneDx Variant Classification Process June 2021. Collection method: clinical testing. Allele origin: germline. Affected: yes.
Comment: Not observed in large population cohorts (Lek et al., 2016); In silico analysis, which includes protein predictors and evolutionary conservation, supports a deleterious effect; Has not been previously published as pathogenic or benign to our knowledge